The following is an entry in ClinVar:

ClinVar aggregate classification (germline): Uncertain significance (0 of 4 stars; one submission).

Conditions:
PCNT-related disorder. Also called: PCNT-related condition.

gnomAD v4.1: 6 of 1,613,650 alleles (0.00037%); highest among the groups gnomAD compares: Non-Finnish European, 0.00051%; no homozygotes.

Submission:

PreventionGenetics, part of Exact Sciences
Classification: Uncertain significance for PCNT-related condition. Last evaluated: 2024-05-31. Review status: no assertion criteria provided. Collection method: clinical testing. Allele origin: germline.
Comment: The PCNT c.8344C>A variant is predicted to result in the amino acid substitution p.Gln2782Lys. To our knowledge, this variant has not been reported in the literature or in a large population database, indicating this variant is rare. At this time, the clinical significance of this variant is uncertain due to the absence of conclusive functional and genetic evidence.

NM_006031.6(PCNT):c.8344C>A (p.Gln2782Lys)

Gene: PCNT (pericentrin; plus strand). Cytogenetic location: 21q22.3.
Variant type: single nucleotide variant.
Coding change: c.8344C>A on transcript NM_006031.6 (MANE Select); coding-DNA position 8344, C replaced by A.
Protein change: p.Gln2782Lys; replaces glutamine 2782 with lysine.
Molecular consequence: missense variant.
Genome position (GRCh38, 1-based): chr21:46,431,808, C>A. VCF-style: chr21-46431808-C-A. GRCh37 (hg19) VCF-style: chr21-47851722-C-A.
Other names: c.7990C>A, p.Gln2664Lys (NM_001315529.2); short protein forms Q2664K, Q2782K.
Identifiers: ClinVar variation 3344391 (VCV003344391.1).